The following is an entry in ClinVar:

ClinVar aggregate classification (germline): Uncertain significance (1 of 4 stars; one submission).

Conditions:
Inborn genetic diseases. Identifiers: MedGen C0950123, MeSH D030342.

Submission:

Ambry Genetics
Classification: Uncertain significance for Inborn genetic diseases. Last evaluated: 2022-07-02. Review status: criteria provided, single submitter. Criteria: Ambry Variant Classification Scheme 2023. Collection method: clinical testing. Allele origin: germline.
Comment: The p.P31S variant (also known as c.91C>T), located in coding exon 2 of the BUB1B gene, results from a C to T substitution at nucleotide position 91. The proline at codon 31 is replaced by serine, an amino acid with similar properties. This amino acid position is conserved. In addition, this alteration is predicted to be deleterious by in silico analysis. Since supporting evidence is limited at this time, the clinical significance of this alteration remains unclear.

NM_001211.6(BUB1B):c.91C>T (p.Pro31Ser)

Gene: BUB1B (BUB1 mitotic checkpoint serine/threonine kinase B; plus strand). Cytogenetic location: 15q15.1.
Variant type: single nucleotide variant.
Coding change: c.91C>T on transcript NM_001211.6 (MANE Select); coding-DNA position 91, C replaced by T.
Protein change: p.Pro31Ser; replaces proline 31 with serine.
Molecular consequence: missense variant.
Genome position (GRCh38, 1-based): chr15:40,165,108, C>T. VCF-style: chr15-40165108-C-T. GRCh37 (hg19) VCF-style: chr15-40457309-C-T.
Other names: short protein forms P31S.
Identifiers: ClinVar variation 1766165 (VCV001766165.2), dbSNP rs2542508620, ClinGen allele CA391677054.
Genomic context (GRCh38, chr15:40,165,108, plus strand): 5'-CACAGTGAAGCCATGTCCCTGGAGGGAGATGAATGGGAACTGAGTAAAGAAAATGTACAA[C>T]CTTTAAGGCAAGGGCGGATCATGTCCACGCTTCAGGGAGCACTGGCACAAGAATCTGCCT-3'
Protein context (NP_001202.5, residues 21-41): EWELSKENVQ[Pro31Ser]LRQGRIMSTL